The following is an entry in ClinVar:

ClinVar aggregate classification (germline): Conflicting classifications of pathogenicity. Review status: criteria provided, conflicting classifications (1 of 4 stars). 6 submissions from 6 submitters: Uncertain significance (5); Likely benign (1). Last evaluated 2025-10-29.

Conditions:
Hereditary cancer-predisposing syndrome. Also called: Neoplastic Syndromes, Hereditary; Hereditary Cancer Syndrome; Hereditary neoplastic syndrome; Tumor predisposition. Identifiers: Orphanet 140162, MedGen C0027672, MeSH D009386, MONDO:0015356.
Familial cancer of breast. Also called: BREAST CANCER, FAMILIAL; hereditary breast carcinoma; Hereditary breast cancer. Identifiers: Orphanet 227535, MedGen C0346153, MONDO:0016419, OMIM 114480. Disease mechanism: loss of function.

Allele frequency attached by ClinVar (database versions not stated): gnomAD exomes below 0.00001; TOPMed 0.00001.
gnomAD v4.1: 7 of 1,614,212 alleles (0.00043%); highest among the groups gnomAD compares: Non-Finnish European, 0.00059%; no homozygotes.

Submissions (6):

Labcorp Genetics (formerly Invitae), Labcorp
Classification: Uncertain significance for Familial cancer of breast. Last evaluated: 2025-10-29. Review status: criteria provided, single submitter. Criteria: Invitae Variant Classification Sherloc (09022015). Collection method: clinical testing. Allele origin: germline.
Comment: This sequence change replaces valine, which is neutral and non-polar, with leucine, which is neutral and non-polar, at codon 767 of the BARD1 protein (p.Val767Leu). This variant is not present in population databases (gnomAD no frequency). This missense change has been observed in individual(s) with unspecified cancer (PMID: 28873162). ClinVar contains an entry for this variant (Variation ID: 479124). An algorithm developed to predict the effect of missense changes on protein structure and function outputs the following: PolyPhen-2: "Benign". The leucine amino acid residue is found in multiple mammalian species, which suggests that this missense change does not adversely affect protein function. In summary, the available evidence is currently insufficient to determine the role of this variant in disease. Therefore, it has been classified as a Variant of Uncertain Significance.

Ambry Genetics
Classification: Likely benign for Hereditary cancer-predisposing syndrome. Last evaluated: 2024-02-26. Review status: criteria provided, single submitter. Criteria: Ambry Variant Classification Scheme 2023. Collection method: clinical testing. Allele origin: germline.

Baylor Genetics
Classification: Uncertain significance for Familial cancer of breast. Last evaluated: 2023-06-23. Review status: criteria provided, single submitter. Criteria: ACMG Guidelines, 2015. Collection method: clinical testing. Allele origin: unknown.

Department of Pathology and Laboratory Medicine, Sinai Health System
Classification: Uncertain significance for Familial cancer of breast. Last evaluated: 2022-07-05. Review status: criteria provided, single submitter. Criteria: ACMG Guidelines, 2015. Collection method: clinical testing. Allele origin: germline. Affected: yes.

Sema4
Classification: Uncertain significance for Hereditary cancer-predisposing syndrome. Last evaluated: 2022-02-05. Review status: criteria provided, single submitter. Criteria: Sema4 Curation Guidelines. Collection method: curation. Allele origin: germline.
Comment: The BARD1 c.2299G>T (p.V767L) variant has been reported in heterozygosity in at least 1 individual with advanced cancer (PMID: 28873162). It has been reported in a large case-control study of breast cancer in 3/60466 cases and 1/53461 controls (PMID: 33471991). This variant was not reported in the population database Genome Aggregation Database (PMID: 32461654). This variant has been reported in ClinVar (Variation ID: 479124). In silico tools suggest the impact of the variant on protein function is benign, though these predictions have not been confirmed by functional studies. The evidence is insufficient to meet ACMG/AMP criteria for classifying the variant as benign or pathogenic. Thus, the clinical significance of this variant is currently uncertain.

Color Diagnostics, LLC DBA Color Health
Classification: Uncertain significance for Hereditary cancer-predisposing syndrome. Last evaluated: 2022-01-27. Review status: criteria provided, single submitter. Criteria: ACMG Guidelines, 2015. Collection method: clinical testing. Allele origin: germline.
Comment: This missense variant replaces valine with leucine at codon 767 of the BARD1 protein. Computational prediction suggests that this variant may not impact protein structure and function (internally defined REVEL score threshold <= 0.5, PMID: 27666373). To our knowledge, functional studies have not been reported for this variant. In a large breast cancer case-control study, this variant has been observed in 3/60463 cases and 1/53460 controls; OR=2.653 (95%CI 0.276 to 25.502); p-value=0.628 (PMID: 33471991 - Leiden Open Variation Database DB-ID BARD1_000044). This variant has not been identified in the general population by the Genome Aggregation Database (gnomAD). The available evidence is insufficient to determine the role of this variant in disease conclusively. Therefore, this variant is classified as a Variant of Uncertain Significance.

Literature cited by the submitters: PubMed 28873162 (cited by Labcorp Genetics (formerly Invitae), Labcorp and Sema4); PubMed 33471991 (cited by Sema4 and Color Diagnostics, LLC DBA Color Health).

NM_000465.4(BARD1):c.2299G>T (p.Val767Leu)

Gene: BARD1 (BRCA1 associated RING domain 1; minus strand). Cytogenetic location: 2q35.
Variant type: single nucleotide variant.
Coding change: c.2299G>T on transcript NM_000465.4 (MANE Select); coding-DNA position 2299, G replaced by T.
Protein change: p.Val767Leu; replaces valine 767 with leucine.
Molecular consequence: missense variant. On other transcripts: non-coding transcript variant (3).
Genome position (GRCh38, 1-based): chr2:214,728,711, C>A on the plus strand (G>T on the coding strand, the complement: BARD1 is on the minus strand). VCF-style: chr2-214728711-C-A. GRCh37 (hg19) VCF-style: chr2-215593435-C-A.
Other names: c.2242G>T, p.Val748Leu (NM_001282543.2); c.946G>T, p.Val316Leu (NM_001282545.2); c.889G>T, p.Val297Leu (NM_001282548.2); c.760G>T, p.Val254Leu (NM_001282549.2); short protein forms V767L, V297L, V316L, V748L, V254L.
Identifiers: ClinVar variation 479124 (VCV000479124.21), dbSNP rs1434753563, ClinGen allele CA350449804.